The following is an entry in ClinVar:

ClinVar aggregate classification (germline): Uncertain significance (1 of 4 stars; one submission).

gnomAD v4.1: 20 of 1,561,596 alleles (0.0013%); highest among the groups gnomAD compares: African/African-American, 0.0041%; no homozygotes.

Submission:

Ambry Genetics
Classification: Uncertain significance. Last evaluated: 2025-10-28. Review status: criteria provided, single submitter. Criteria: Ambry Variant Classification Scheme 2023. Collection method: clinical testing. Allele origin: germline.
Comment: The p.I1893V variant (also known as c.5677A>G), located in coding exon 22 of the WNK2 gene, results from an A to G substitution at nucleotide position 5677. The isoleucine at codon 1893 is replaced by valine, an amino acid with highly similar properties. This amino acid position is conserved. In addition, this alteration is predicted to be tolerated by in silico analysis. Based on the available evidence, the clinical significance of this variant remains unclear.

NM_006648.4(WNK2):c.5677A>G (p.Ile1893Val)

Gene: WNK2 (WNK lysine deficient protein kinase 2; plus strand). Cytogenetic location: 9q22.31.
Variant type: single nucleotide variant.
Coding change: c.5677A>G on transcript NM_006648.4 (MANE Select); coding-DNA position 5677, A replaced by G.
Protein change: p.Ile1893Val; replaces isoleucine 1893 with valine.
Molecular consequence: missense variant.
Genome position (GRCh38, 1-based): chr9:93,293,142, A>G. VCF-style: chr9-93293142-A-G. GRCh37 (hg19) VCF-style: chr9-96055424-A-G.
Other names: c.5788A>G, p.Ile1930Val (NM_001282394.3); short protein forms I1930V, I1893V.
Identifiers: ClinVar variation 4605313 (VCV004605313.1).